The following is an entry in ClinVar:

ClinVar aggregate classification (germline): Uncertain significance. Review status: criteria provided, multiple submitters, no conflicts (2 of 4 stars). 2 submissions from 2 submitters: Uncertain significance (2). Last evaluated 2025-04-12.

Conditions:
Tietz syndrome (TADS). Also called: ALBINISM-DEAFNESS OF TIETZ; HYPOPIGMENTATION/DEAFNESS OF TIETZ; TIETZ ALBINISM-DEAFNESS SYNDROME. Identifiers: Orphanet 42665, MedGen C0391816, MONDO:0007077, OMIM 103500.
Waardenburg syndrome type 2A (WS2A). Also called: WAARDENBURG SYNDROME WITHOUT DYSTOPIA CANTHORUM. Identifiers: Orphanet 3440, MedGen C1860339, MONDO:0008671, OMIM 193510.
Melanoma, cutaneous malignant, susceptibility to, 8. Also called: MELANOMA AND RENAL CELL CARCINOMA, SUSCEPTIBILITY TO; Cutaneous malignant melanoma 8. Identifiers: Orphanet 293822, MedGen C3152204, MONDO:0013759, OMIM 614456.
Hereditary cancer-predisposing syndrome. Also called: Hereditary neoplastic syndrome; Tumor predisposition; Hereditary Cancer Syndrome; Neoplastic Syndromes, Hereditary. Identifiers: Orphanet 140162, MedGen C0027672, MeSH D009386, MONDO:0015356.

Allele frequency attached by ClinVar (database versions not stated): ExAC 0.00001.
gnomAD v4.1: 1 of 1,614,130 alleles (0.000062%); highest among the groups gnomAD compares: Non-Finnish European, 0.000085%; no homozygotes.

Submissions (2):

Ambry Genetics
Classification: Uncertain significance for Hereditary cancer-predisposing syndrome. Last evaluated: 2025-04-12. Review status: criteria provided, single submitter. Criteria: Ambry Variant Classification Scheme 2023. Collection method: clinical testing. Allele origin: germline.
Comment: The p.A363D variant (also known as c.1088C>A), located in coding exon 9 of the MITF gene, results from a C to A substitution at nucleotide position 1088. The alanine at codon 363 is replaced by aspartic acid, an amino acid with dissimilar properties. This amino acid position is conserved. In addition, this alteration is predicted to be tolerated by in silico analysis. Based on the available evidence, the clinical significance of this variant remains unclear.

Labcorp Genetics (formerly Invitae), Labcorp
Classification: Uncertain significance for Melanoma, cutaneous malignant, susceptibility to, 8; Waardenburg syndrome type 2A; Tietz syndrome. Last evaluated: 2023-12-29. Review status: criteria provided, single submitter. Criteria: Invitae Variant Classification Sherloc (09022015). Collection method: clinical testing. Allele origin: germline.
Comment: This sequence change replaces alanine, which is neutral and non-polar, with aspartic acid, which is acidic and polar, at codon 363 of the MITF protein (p.Ala363Asp). This variant is present in population databases (rs745382803, gnomAD 0.0009%). This variant has not been reported in the literature in individuals affected with MITF-related conditions. Advanced modeling of protein sequence and biophysical properties (such as structural, functional, and spatial information, amino acid conservation, physicochemical variation, residue mobility, and thermodynamic stability) performed at Invitae indicates that this missense variant is not expected to disrupt MITF protein function with a negative predictive value of 80%. In summary, the available evidence is currently insufficient to determine the role of this variant in disease. Therefore, it has been classified as a Variant of Uncertain Significance.

NM_001354604.2(MITF):c.1409C>A (p.Ala470Asp)

Gene: MITF (melanocyte inducing transcription factor; plus strand). Cytogenetic location: 3p13.
Variant type: single nucleotide variant.
Coding change: c.1409C>A on transcript NM_001354604.2 (MANE Select); coding-DNA position 1409, C replaced by A.
Protein change: p.Ala470Asp; replaces alanine 470 with aspartic acid.
Molecular consequence: missense variant.
Genome position (GRCh38, 1-based): chr3:69,965,076, C>A. VCF-style: chr3-69965076-C-A. GRCh37 (hg19) VCF-style: chr3-70014227-C-A.
Other names: c.1088C>A, p.Ala363Asp (NM_000248.4); c.1235C>A, p.Ala412Asp (NM_001184967.2, NM_001354608.2); c.1406C>A, p.Ala469Asp (NM_001354605.2); c.1388C>A, p.Ala463Asp (NM_001354606.2, NM_006722.3); c.1340C>A, p.Ala447Asp (NM_001354607.2); c.1070C>A, p.Ala357Asp (NM_198158.3); c.1391C>A, p.Ala464Asp (NM_198159.3); c.1343C>A, p.Ala448Asp (NM_198177.3); and 1 more; short protein forms A301D, A447D, A470D, A357D, A363D, A412D, A448D, A469D.
Identifiers: ClinVar variation 2946910 (VCV002946910.4), dbSNP rs745382803, ClinGen allele CA2490662.